The following is an entry in ClinVar:

NM_033004.4(NLRP1):c.3860G>C (p.Gly1287Ala)

Gene: NLRP1 (NLR family pyrin domain containing 1; minus strand). Cytogenetic location: 17p13.2.
Variant type: single nucleotide variant.
Coding change: c.3860G>C on transcript NM_033004.4 (MANE Select); coding-DNA position 3860, G replaced by C.
Protein change: p.Gly1287Ala; replaces glycine 1287 with alanine.
Molecular consequence: missense variant. On other transcripts: intron variant (2).
Genome position (GRCh38, 1-based): chr17:5,520,936, C>G on the plus strand (G>C on the coding strand, the complement: NLRP1 is on the minus strand). VCF-style: chr17-5520936-C-G. GRCh37 (hg19) VCF-style: chr17-5424256-C-G.
Other names: c.3872G>C, p.Gly1291Ala (NM_001033053.3); c.3770G>C, p.Gly1257Ala (NM_033006.4); c.3693+588G>C (NM_033007.4); c.3783+588G>C (NM_014922.5); short protein forms G1287A, G1257A, G1291A.
Identifiers: ClinVar variation 2124170 (VCV002124170.4), dbSNP rs1407715631, ClinGen allele CA397388763.

ClinVar aggregate classification (germline): Uncertain significance (1 of 4 stars; one submission).

Allele frequency attached by ClinVar (database versions not stated): gnomAD exomes below 0.00001.
gnomAD v4.1: 5 of 1,612,098 alleles (0.00031%); highest among the groups gnomAD compares: Non-Finnish European, 0.00042%; no homozygotes.

Submission:

Labcorp Genetics (formerly Invitae), Labcorp
Classification: Uncertain significance. Last evaluated: 2022-04-11. Review status: criteria provided, single submitter. Criteria: Invitae Variant Classification Sherloc (09022015). Collection method: clinical testing. Allele origin: germline.
Comment: This sequence change replaces glycine, which is neutral and non-polar, with alanine, which is neutral and non-polar, at codon 1287 of the NLRP1 protein (p.Gly1287Ala). This variant is not present in population databases (gnomAD no frequency). This variant has not been reported in the literature in individuals affected with NLRP1-related conditions. Algorithms developed to predict the effect of missense changes on protein structure and function (SIFT, PolyPhen-2, Align-GVGD) all suggest that this variant is likely to be disruptive. In summary, the available evidence is currently insufficient to determine the role of this variant in disease. Therefore, it has been classified as a Variant of Uncertain Significance.